The following is an entry in ClinVar:

NM_138694.4(PKHD1):c.3815G>A (p.Trp1272Ter)

Gene: PKHD1 (PKHD1 ciliary IPT domain containing fibrocystin/polyductin; minus strand). Cytogenetic location: 6p12.2.
Variant type: single nucleotide variant.
Coding change: c.3815G>A on transcript NM_138694.4 (MANE Select); coding-DNA position 3815, G replaced by A.
Protein change: p.Trp1272Ter; replaces tryptophan 1272 with a stop codon.
Molecular consequence: nonsense.
Genome position (GRCh38, 1-based): chr6:52,025,995, C>T on the plus strand (G>A on the coding strand, the complement: PKHD1 is on the minus strand). VCF-style: chr6-52025995-C-T. GRCh37 (hg19) VCF-style: chr6-51890793-C-T.
Other names: c.3815G>A, p.Trp1272Ter (NM_170724.3); short protein forms W1272*.
Identifiers: ClinVar variation 2748088 (VCV002748088.3), dbSNP rs2128146216, ClinGen allele CA364437559.
Genomic context (GRCh38, chr6:52,025,995, plus strand): 5'-GTGAAGCCTTTCCCCACCAAGCTTGGTGAAGGACCACGGGCGAAGAACCTGTTGCCAGCC[C>T]AGACCTCCACGGCAGCTGGAACAGTGGGAGCGCCCGCATCGGGTATCTGGGGGGCTGGCA-3'

ClinVar aggregate classification (germline): Pathogenic (1 of 4 stars; one submission).

Conditions:
Autosomal recessive polycystic kidney disease (ARPKD). Also called: AR polycystic kidney disease. Identifiers: Orphanet 731, Orphanet 8378, MedGen C0085548, MeSH D017044, MONDO:0009889.

Allele frequency attached by ClinVar (database versions not stated): gnomAD exomes below 0.00001.
gnomAD v4.1: 1 of 1,614,130 alleles (0.000062%); highest among the groups gnomAD compares: Non-Finnish European, 0.000085%; no homozygotes.

Submission:

Labcorp Genetics (formerly Invitae), Labcorp
Classification: Pathogenic for Autosomal recessive polycystic kidney disease. Last evaluated: 2023-07-29. Review status: criteria provided, single submitter. Criteria: Invitae Variant Classification Sherloc (09022015). Collection method: clinical testing. Allele origin: germline.
Comment: This sequence change creates a premature translational stop signal (p.Trp1272*) in the PKHD1 gene. It is expected to result in an absent or disrupted protein product. Loss-of-function variants in PKHD1 are known to be pathogenic (PMID: 19940839). This variant is not present in population databases (gnomAD no frequency). This variant has not been reported in the literature in individuals affected with PKHD1-related conditions. For these reasons, this variant has been classified as Pathogenic.

Literature cited by the submitters: PubMed 19940839.